The following is an entry in ClinVar:

ClinVar aggregate classification (germline): Uncertain significance. Review status: criteria provided, multiple submitters, no conflicts (2 of 4 stars). 4 submissions from 4 submitters: Uncertain significance (3). 1 of the submissions does not count toward it. Last evaluated 2025-11-26.

Conditions:
Achromatopsia. Also called: Rod monochromatism. Identifiers: Orphanet 49382, MedGen C0152200, MONDO:0018852, HP:0011516.
Inborn genetic diseases. Identifiers: MedGen C0950123, MeSH D030342.

Allele frequency attached by ClinVar (database versions not stated): ExAC 0.00004; gnomAD 0.00004; TOPMed 0.00005; gnomAD exomes 0.00007 and 0.00011; ESP Exome Variant Server 0.00015.
gnomAD v4.1: 163 of 1,613,178 alleles (0.01%); highest among the groups gnomAD compares: Non-Finnish European, 0.014%; no homozygotes.

Submissions (4):

Ambry Genetics
Classification: Uncertain significance for Inborn genetic diseases. Last evaluated: 2025-11-26. Review status: criteria provided, single submitter. Criteria: Ambry Variant Classification Scheme 2023. Collection method: clinical testing. Allele origin: germline.

Blueprint Genetics
Classification: Uncertain significance. Last evaluated: 2024-10-08. Review status: criteria provided, single submitter. Criteria: ACMG Guidelines, 2015. Collection method: clinical testing. Allele origin: germline.

Labcorp Genetics (formerly Invitae), Labcorp
Classification: Uncertain significance. Last evaluated: 2021-11-02. Review status: criteria provided, single submitter. Criteria: Invitae Variant Classification Sherloc (09022015). Collection method: clinical testing. Allele origin: germline.
Comment: This sequence change replaces alanine, which is neutral and non-polar, with valine, which is neutral and non-polar, at codon 792 of the CNGB3 protein (p.Ala792Val). This variant is present in population databases (rs140932384, gnomAD 0.01%). This variant has not been reported in the literature in individuals affected with CNGB3-related conditions. ClinVar contains an entry for this variant (Variation ID: 836233). Advanced modeling of protein sequence and biophysical properties (such as structural, functional, and spatial information, amino acid conservation, physicochemical variation, residue mobility, and thermodynamic stability) performed at Invitae indicates that this missense variant is not expected to disrupt CNGB3 protein function. In summary, the available evidence is currently insufficient to determine the role of this variant in disease. Therefore, it has been classified as a Variant of Uncertain Significance.

Natera, Inc.
Classification: Uncertain significance for Achromatopsia. Last evaluated: 2020-02-13. Review status: no assertion criteria provided. Collection method: clinical testing. Allele origin: germline. Not counted in ClinVar's aggregate classification.

NM_019098.5(CNGB3):c.2375C>T (p.Ala792Val)

Gene: CNGB3 (cyclic nucleotide gated channel subunit beta 3; minus strand). Cytogenetic location: 8q21.3.
Variant type: single nucleotide variant.
Coding change: c.2375C>T on transcript NM_019098.5 (MANE Select); coding-DNA position 2375, C replaced by T.
Protein change: p.Ala792Val; replaces alanine 792 with valine.
Molecular consequence: missense variant.
Genome position (GRCh38, 1-based): chr8:86,575,859, G>A on the plus strand (C>T on the coding strand, the complement: CNGB3 is on the minus strand). VCF-style: chr8-86575859-G-A. GRCh37 (hg19) VCF-style: chr8-87588087-G-A.
Other names: short protein forms A792V.
Identifiers: ClinVar variation 836233 (VCV000836233.9), dbSNP rs140932384, ClinGen allele CA4799737.